The following is an entry in ClinVar:

ClinVar aggregate classification (germline): Uncertain significance. Review status: criteria provided, multiple submitters, no conflicts (2 of 4 stars). 2 submissions from 2 submitters: Uncertain significance (2). Last evaluated 2024-04-10.

Conditions:
Wolcott-Rallison dysplasia. Also called: Wolcott-Rallison syndrome; MED-IDDM SYNDROME. Identifiers: Orphanet 1667, MedGen C0432217, MONDO:0009192, OMIM 226980.

gnomAD v4.1: 56 of 1,614,070 alleles (0.0035%); highest among the groups gnomAD compares: Non-Finnish European, 0.0046%; no homozygotes.

Submissions (2):

Fulgent Genetics
Classification: Uncertain significance for Wolcott-Rallison dysplasia. Last evaluated: 2024-04-10. Review status: criteria provided, single submitter. Criteria: ACMG Guidelines, 2015. Collection method: clinical testing. Allele origin: germline.

Labcorp Genetics (formerly Invitae), Labcorp
Classification: Uncertain significance. Last evaluated: 2022-06-04. Review status: criteria provided, single submitter. Criteria: Invitae Variant Classification Sherloc (09022015). Collection method: clinical testing. Allele origin: germline.
Comment: This sequence change replaces histidine, which is basic and polar, with leucine, which is neutral and non-polar, at codon 828 of the EIF2AK3 protein (p.His828Leu). The frequency data for this variant in the population databases is considered unreliable, as metrics indicate poor data quality at this position in the gnomAD database. This variant has not been reported in the literature in individuals affected with EIF2AK3-related conditions. ClinVar contains an entry for this variant (Variation ID: 1062226). Algorithms developed to predict the effect of missense changes on protein structure and function (SIFT, PolyPhen-2, Align-GVGD) all suggest that this variant is likely to be tolerated. In summary, the available evidence is currently insufficient to determine the role of this variant in disease. Therefore, it has been classified as a Variant of Uncertain Significance.

NM_004836.7(EIF2AK3):c.2483A>T (p.His828Leu)

Genes: EIF2AK3-AS1 (EIF2AK3 antisense RNA 1; plus strand), EIF2AK3 (eukaryotic translation initiation factor 2 alpha kinase 3; minus strand). Cytogenetic location: 2p11.2.
Variant type: single nucleotide variant.
Coding change: c.2483A>T on transcript NM_004836.7 (MANE Select); coding-DNA position 2483, A replaced by T.
Protein change: p.His828Leu; replaces histidine 828 with leucine.
Molecular consequence: missense variant. On other transcripts: non-coding transcript variant (1).
Genome position (GRCh38, 1-based): chr2:88,575,000, T>A on the plus strand (A>T on the coding strand, the complement: EIF2AK3 is on the minus strand). VCF-style: chr2-88575000-T-A. GRCh37 (hg19) VCF-style: chr2-88874518-T-A.
Other names: c.2030A>T, p.His677Leu (NM_001313915.2); short protein forms H677L, H828L.
Identifiers: ClinVar variation 1062226 (VCV001062226.5), dbSNP rs369837691, ClinGen allele CA1754443.